The following is an entry in ClinVar:

NM_004984.4(KIF5A):c.1716+10G>A

Gene: KIF5A (kinesin family member 5A; plus strand). Cytogenetic location: 12q13.3.
Variant type: single nucleotide variant.
Coding change: c.1716+10G>A on transcript NM_004984.4 (MANE Select); 10 bases into the intron after coding-DNA position 1716, G replaced by A.
Molecular consequence: intron variant.
Genome position (GRCh38, 1-based): chr12:57,572,736, G>A. VCF-style: chr12-57572736-G-A. GRCh37 (hg19) VCF-style: chr12-57966519-G-A.
Other names: c.1449+10G>A (NM_001354705.2).
Identifiers: ClinVar variation 2063774 (VCV002063774.4), dbSNP rs777324142, ClinGen allele CA237785341.

ClinVar aggregate classification (germline): Uncertain significance (1 of 4 stars; one submission).

Conditions:
Spastic paraplegia. Identifiers: MedGen C0037772, HP:0001258.

Allele frequency attached by ClinVar (database versions not stated): gnomAD exomes 0.00001; gnomAD 0.00001.
gnomAD v4.1: 7 of 1,614,060 alleles (0.00043%); highest among the groups gnomAD compares: Non-Finnish European, 0.00059%; no homozygotes.

Submission:

Labcorp Genetics (formerly Invitae), Labcorp
Classification: Uncertain significance for Spastic paraplegia. Last evaluated: 2022-04-12. Review status: criteria provided, single submitter. Criteria: Invitae Variant Classification Sherloc (09022015). Collection method: clinical testing. Allele origin: germline.
Comment: In summary, the available evidence is currently insufficient to determine the role of this variant in disease. Therefore, it has been classified as a Variant of Uncertain Significance. Algorithms developed to predict the effect of sequence changes on RNA splicing suggest that this variant may create or strengthen a splice site. This variant has not been reported in the literature in individuals affected with KIF5A-related conditions. This variant is not present in population databases (gnomAD no frequency). This sequence change falls in intron 15 of the KIF5A gene. It does not directly change the encoded amino acid sequence of the KIF5A protein.